The following is an entry in ClinVar:

NM_012082.4(ZFPM2):c.625G>A (p.Ala209Thr)

Genes: ZFPM2-AS1 (ZFPM2 antisense RNA 1; minus strand), ZFPM2 (zinc finger protein, FOG family member 2; plus strand). Cytogenetic location: 8q23.1.
Variant type: single nucleotide variant.
Coding change: c.625G>A on transcript NM_012082.4 (MANE Select); coding-DNA position 625, G replaced by A.
Protein change: p.Ala209Thr; replaces alanine 209 with threonine.
Molecular consequence: missense variant.
Genome position (GRCh38, 1-based): chr8:105,788,810, G>A. VCF-style: chr8-105788810-G-A. GRCh37 (hg19) VCF-style: chr8-106801038-G-A.
Other names: c.466G>A, p.Ala156Thr (NM_001362836.2); c.229G>A, p.Ala77Thr (NM_001362837.2); short protein forms A156T, A209T, A77T.
Identifiers: ClinVar variation 1318760 (VCV001318760.2), dbSNP rs940374051, ClinGen allele CA371940837.

ClinVar aggregate classification (germline): Uncertain significance (1 of 4 stars; one submission).

Submission:

GeneDx
Classification: Uncertain significance. Last evaluated: 2019-04-15. Review status: criteria provided, single submitter. Criteria: GeneDx Variant Classification Process June 2021. Collection method: clinical testing. Allele origin: germline. Affected: yes.
Comment: Not observed in large population cohorts (Lek et al., 2016); Has not been previously published as pathogenic or benign to our knowledge